The following is an entry in ClinVar:

ClinVar aggregate classification (germline): Uncertain significance (1 of 4 stars; one submission).

Conditions:
PCNT-related disorder. Also called: PCNT-related condition.

gnomAD v4.1: 7 of 1,614,076 alleles (0.00043%); highest among the groups gnomAD compares: South Asian, 0.0022%; no homozygotes.

Submission:

PreventionGenetics, part of Exact Sciences
Classification: Uncertain significance for PCNT-related condition. Last evaluated: 2025-06-20. Review status: criteria provided, single submitter. Criteria: ACMG Guidelines, 2015. Collection method: clinical testing. Allele origin: germline.
Comment: The PCNT c.3412G>A variant is predicted to result in the amino acid substitution p.Ala1138Thr. To our knowledge, this variant has not been reported in the literature. This variant is reported in 0.0033% of alleles in individuals of South Asian descent in gnomAD. At this time, the clinical significance of this variant is uncertain due to the absence of conclusive functional and genetic evidence.

NM_006031.6(PCNT):c.3412G>A (p.Ala1138Thr)

Gene: PCNT (pericentrin; plus strand). Cytogenetic location: 21q22.3.
Variant type: single nucleotide variant.
Coding change: c.3412G>A on transcript NM_006031.6 (MANE Select); coding-DNA position 3412, G replaced by A.
Protein change: p.Ala1138Thr; replaces alanine 1138 with threonine.
Molecular consequence: missense variant.
Genome position (GRCh38, 1-based): chr21:46,385,931, G>A. VCF-style: chr21-46385931-G-A. GRCh37 (hg19) VCF-style: chr21-47805846-G-A.
Other names: c.3058G>A, p.Ala1020Thr (NM_001315529.2); short protein forms A1020T, A1138T.
Identifiers: ClinVar variation 4990729 (VCV004990729.1).